The following is an entry in ClinVar:

NM_020745.4(AARS2):c.2051_2052del (p.Val684fs)

Genes: POLR1C (RNA polymerase I and III subunit C; plus strand), AARS2 (alanyl-tRNA synthetase 2, mitochondrial; minus strand). Cytogenetic location: 6p21.1.
Variant type: Microsatellite.
Coding change: c.2051_2052del on transcript NM_020745.4 (MANE Select); coding-DNA positions 2051 to 2052, 2 bases deleted (TG; older notation c.2051_2052delTG).
Protein change: p.Val684fs; shifts the reading frame from valine 684.
Molecular consequence: frameshift variant.
Genome position (GRCh38, 1-based): chr6:44,303,379-44,303,380, CA deleted on the plus strand (TG on the coding strand, the reverse complement: AARS2 is on the minus strand); deleting any 2 consecutive bases within chr6:44,303,379-44,303,382 gives the same sequence; the c. name uses the placement nearest the transcript's 3' end. VCF-style (leftmost placement, unchanged base first): chr6-44303378-GCA-G. GRCh37 (hg19) VCF-style: chr6-44271115-GCA-G.
Other names: short protein forms V684fs.
Identifiers: ClinVar variation 818065 (VCV000818065.1), dbSNP rs1167314179, ClinGen allele CA566845109.

ClinVar aggregate classification (germline): Likely pathogenic (1 of 4 stars; one submission).

Submission:

GeneDx
Classification: Likely pathogenic. Last evaluated: 2019-03-08. Review status: criteria provided, single submitter. Criteria: GeneDx Variant Classification (06012015). Collection method: clinical testing. Allele origin: germline. Affected: yes.
Comment: The c.2051_2052delTG variant in the AARS2 gene has not been reported previously as a pathogenic variant nor as a benign variant, to our knowledge. The c.2051_2052delTG variant causes a frameshift starting with codon Valine 684, changes this amino acid to a Alanine residue, and creates a premature Stop codon at position 8 of the new reading frame, denoted p.Val684AlafsX8. This variant is predicted to cause loss of normal protein function either through protein truncation or nonsense-mediated mRNA decay. The c.2051_2052delTG variant is not observed at a significant frequency in large population cohorts (Lek et al., 2016). We interpret c.2051_2052delTG as a likely pathogenic variant.